The following is an entry in ClinVar:

ClinVar aggregate classification (germline): Likely benign. Review status: criteria provided, single submitter (1 of 4 stars). 2 submissions from 2 submitters: Likely benign (1). 1 of the submissions does not count toward it. Last evaluated 2024-05-08.

Conditions:
VPS13B-related disorder. Also called: VPS13B-related condition.
Cohen syndrome (COH1). Also called: Cutis verticis gyrata, retinitis pigmentosa, and sensorineural deafness; PEPPER SYNDROME. Identifiers: Orphanet 193, MedGen C0265223, MONDO:0008999, OMIM 216550.

Allele frequency attached by ClinVar (database versions not stated): TOPMed below 0.00001.

Submissions (2):

Labcorp Genetics (formerly Invitae), Labcorp
Classification: Likely benign for Cohen syndrome. Last evaluated: 2024-05-08. Review status: criteria provided, single submitter. Criteria: Invitae Variant Classification Sherloc (09022015). Collection method: clinical testing. Allele origin: germline.

PreventionGenetics, part of Exact Sciences
Classification: Likely benign for VPS13B-related condition. Last evaluated: 2022-05-26. Review status: no assertion criteria provided. Collection method: clinical testing. Allele origin: germline. Not counted in ClinVar's aggregate classification.
Comment: This variant is classified as likely benign based on ACMG/AMP sequence variant interpretation guidelines (Richards et al. 2015 PMID: 25741868, with internal and published modifications).

NM_152564.5(VPS13B):c.9075G>A (p.Leu3025=)

Gene: VPS13B (vacuolar protein sorting 13 homolog B; plus strand). Cytogenetic location: 8q22.2.
Variant type: single nucleotide variant.
Coding change: c.9075G>A on transcript NM_152564.5 (MANE Select); coding-DNA position 9075, G replaced by A.
Protein change: p.Leu3025=; no amino-acid change (leucine 3025 retained).
Molecular consequence: synonymous variant.
Genome position (GRCh38, 1-based): chr8:99,821,374, G>A. VCF-style: chr8-99821374-G-A. GRCh37 (hg19) VCF-style: chr8-100833602-G-A.
Other names: c.9150G>A, p.Leu3050= (NM_017890.5).
Identifiers: ClinVar variation 2171470 (VCV002171470.5), dbSNP rs1006898232, ClinGen allele CA182330030.
Genomic context (GRCh38, chr8:99,821,374, plus strand): 5'-ATACTGGGCAAATACAAACACTGTGCACAAGTCAGTAGCAATTAAACTGGTCCATAACCT[G>A]ACATCTCCAAAGTGGAAAGATGGAGGTAATGGTGAAGTTGTGACACTGGATGAAGAAGCG-3'
Protein context (NP_689777.3, residues 3015-3035): KSVAIKLVHN[Leu3025=]TSPKWKDGGN